The following is an entry in ClinVar:

NM_152468.5(TMC8):c.194G>T (p.Arg65Leu)

Genes: TMC6 (transmembrane channel like 6; minus strand), TMC8 (transmembrane channel like 8; plus strand), LOC130061792 (ATAC-STARR-seq lymphoblastoid silent region 9043; plus strand). Cytogenetic location: 17q25.3.
Variant type: single nucleotide variant.
Coding change: c.194G>T on transcript NM_152468.5 (MANE Select); coding-DNA position 194, G replaced by T.
Protein change: p.Arg65Leu; replaces arginine 65 with leucine.
Molecular consequence: missense variant. On other transcripts: intron variant (1).
Genome position (GRCh38, 1-based): chr17:78,131,926, G>T. VCF-style: chr17-78131926-G-T. GRCh37 (hg19) VCF-style: chr17-76128007-G-T.
Other names: c.-75+415C>A (NM_007267.7); short protein forms R65L.
Identifiers: ClinVar variation 1010350 (VCV001010350.5), dbSNP rs779428022, ClinGen allele CA8796370.

ClinVar aggregate classification (germline): Uncertain significance (1 of 4 stars; one submission).

Conditions:
Epidermodysplasia verruciformis. Identifiers: Orphanet 302, MedGen C0014522, MONDO:0009176.

Allele frequency attached by ClinVar (database versions not stated): gnomAD 0.00001; ExAC 0.00074; gnomAD exomes 0.00007; TOPMed 0.00001.
gnomAD v4.1: 50 of 1,501,444 alleles (0.0033%); highest among the groups gnomAD compares: Non-Finnish European, 0.00097%; 1 homozygote.

Submission:

Labcorp Genetics (formerly Invitae), Labcorp
Classification: Uncertain significance for Epidermodysplasia verruciformis. Last evaluated: 2025-12-20. Review status: criteria provided, single submitter. Criteria: Invitae Variant Classification Sherloc (09022015). Collection method: clinical testing. Allele origin: germline.
Comment: This sequence change replaces arginine, which is basic and polar, with leucine, which is neutral and non-polar, at codon 65 of the TMC8 protein (p.Arg65Leu). This variant is present in population databases (rs779428022, gnomAD 0.1%). This variant has not been reported in the literature in individuals affected with TMC8-related conditions. ClinVar contains an entry for this variant (Variation ID: 1010350). Invitae Evidence Modeling of protein sequence and biophysical properties (such as structural, functional, and spatial information, amino acid conservation, physicochemical variation, residue mobility, and thermodynamic stability) indicates that this missense variant is not expected to disrupt TMC8 protein function with a negative predictive value of 80%. In summary, the available evidence is currently insufficient to determine the role of this variant in disease. Therefore, it has been classified as a Variant of Uncertain Significance.